The following is an entry in ClinVar:

NM_145239.3(PRRT2):c.769_778del (p.Glu257fs)

Genes: MVP-DT (MVP divergent transcript; minus strand), PRRT2 (proline rich transmembrane protein 2; plus strand). Cytogenetic location: 16p11.2.
Variant type: Deletion.
Coding change: c.769_778del on transcript NM_145239.3 (MANE Select); coding-DNA positions 769 to 778, 10 bases deleted (GAGGGGGGTG; older notation c.769_778delGAGGGGGGTG).
Protein change: p.Glu257fs; shifts the reading frame from glutamic acid 257.
Molecular consequence: frameshift variant.
Genome position (GRCh38, 1-based): chr16:29,813,823-29,813,832, GAGGGGGGTG deleted; deleting any 10 consecutive bases within chr16:29,813,817-29,813,832 gives the same sequence; the c. name uses the placement nearest the transcript's 3' end. VCF-style (leftmost placement, unchanged base first): chr16-29813816-TGGGGTGGAGG-T. GRCh37 (hg19) VCF-style: chr16-29825137-TGGGGTGGAGG-T.
Other names: c.769_778del, p.Glu257fs (NM_001256442.2, NM_001256443.2); c.769_778delGAGGGGGGTG (NM_145239.2); short protein forms E257fs.
Identifiers: ClinVar variation 280822 (VCV000280822.8), dbSNP rs886041960, ClinGen allele CA10603267.
Genomic context (GRCh38, chr16:29,813,816, plus strand): 5'-GCATCCAGGATCTCCCCGAGGTAGCCTGAGCCGCCACCCCAGCTCCCAGTTGGCAGGTCC[TGGGGTGGAGG>T]GGGGTGAAGGCACCCAGAAACCTCGGGACTACATCATCCTTGCCATCCTGTCCTGCTTCT-3'

ClinVar aggregate classification (germline): Pathogenic. Review status: criteria provided, multiple submitters, no conflicts (2 of 4 stars). 2 submissions from 2 submitters: Pathogenic (2). Last evaluated 2023-01-28.

Conditions:
Episodic kinesigenic dyskinesia (EKD). Also called: Paroxysmal kinesigenic dyskinesia. Identifiers: Orphanet 98809, MedGen C1868682, MONDO:0044202.

Submissions (2):

Labcorp Genetics (formerly Invitae), Labcorp
Classification: Pathogenic for Episodic kinesigenic dyskinesia. Last evaluated: 2023-01-28. Review status: criteria provided, single submitter. Criteria: Invitae Variant Classification Sherloc (09022015). Collection method: clinical testing. Allele origin: germline.
Comment: This sequence change creates a premature translational stop signal (p.Glu257Lysfs*53) in the PRRT2 gene. It is expected to result in an absent or disrupted protein product. Loss-of-function variants in PRRT2 are known to be pathogenic (PMID: 22623405, 22744660). This variant is not present in population databases (gnomAD no frequency). For these reasons, this variant has been classified as Pathogenic. ClinVar contains an entry for this variant (Variation ID: 280822). This variant has not been reported in the literature in individuals affected with PRRT2-related conditions.

GeneDx
Classification: Pathogenic. Last evaluated: 2019-05-06. Review status: criteria provided, single submitter. Criteria: GeneDx Variant Classification Process June 2021. Collection method: clinical testing. Allele origin: germline. Affected: yes.
Comment: Frameshift variant predicted to result in protein truncation or nonsense mediated decay in a gene for which loss-of-function is a known mechanism of disease; Not observed in large population cohorts (Lek et al., 2016)

Literature cited by the submitters: PubMed 22623405 (cited by Labcorp Genetics (formerly Invitae), Labcorp); PubMed 22744660 (cited by Labcorp Genetics (formerly Invitae), Labcorp).